The following is an entry in ClinVar:

ClinVar aggregate classification (germline): Uncertain significance. Review status: criteria provided, multiple submitters, no conflicts (2 of 4 stars). 2 submissions from 2 submitters: Uncertain significance (2). Last evaluated 2023-10-03.

Conditions:
Inborn genetic diseases. Identifiers: MedGen C0950123, MeSH D030342.

Allele frequency attached by ClinVar (database versions not stated): gnomAD 0.00001 and 0.00002; gnomAD exomes 0.00003; TOPMed 0.00003; ExAC 0.00006; ESP Exome Variant Server 0.00008.
gnomAD v4.1: 23 of 1,612,408 alleles (0.0014%); highest among the groups gnomAD compares: Non-Finnish European, 0.0017%; no homozygotes.

Submissions (2):

Ambry Genetics
Classification: Uncertain significance for Inborn genetic diseases. Last evaluated: 2023-10-03. Review status: criteria provided, single submitter. Criteria: Ambry Variant Classification Scheme 2023. Collection method: clinical testing. Allele origin: germline.

Labcorp Genetics (formerly Invitae), Labcorp
Classification: Uncertain significance. Last evaluated: 2022-06-27. Review status: criteria provided, single submitter. Criteria: Invitae Variant Classification Sherloc (09022015). Collection method: clinical testing. Allele origin: germline.
Comment: In summary, the available evidence is currently insufficient to determine the role of this variant in disease. Therefore, it has been classified as a Variant of Uncertain Significance. Algorithms developed to predict the effect of missense changes on protein structure and function are either unavailable or do not agree on the potential impact of this missense change (SIFT: "Tolerated"; PolyPhen-2: "Possibly Damaging"; Align-GVGD: "Class C0"). This variant has not been reported in the literature in individuals affected with MPDZ-related conditions. This variant is present in population databases (rs376485985, gnomAD 0.006%). This sequence change replaces glutamine, which is neutral and polar, with leucine, which is neutral and non-polar, at codon 1948 of the MPDZ protein (p.Gln1948Leu).

NM_001378778.1(MPDZ):c.5930A>T (p.Gln1977Leu)

Gene: MPDZ (multiple PDZ domain crumbs cell polarity complex component; minus strand). Cytogenetic location: 9p23.
Variant type: single nucleotide variant.
Coding change: c.5930A>T on transcript NM_001378778.1 (MANE Select); coding-DNA position 5930, A replaced by T.
Protein change: p.Gln1977Leu; replaces glutamine 1977 with leucine.
Molecular consequence: missense variant.
Genome position (GRCh38, 1-based): chr9:13,109,964, T>A on the plus strand (A>T on the coding strand, the complement: MPDZ is on the minus strand). VCF-style: chr9-13109964-T-A. GRCh37 (hg19) VCF-style: chr9-13109963-T-A.
Other names: c.5843A>T (NM_003829.3); c.5831A>T, p.Gln1944Leu (NM_001261406.2, NM_001375416.1, NM_001375417.1 and 1 more transcripts); c.5744A>T, p.Gln1915Leu (NM_001261407.2, NM_001375419.1); c.5930A>T, p.Gln1977Leu (NM_001330637.2); c.6029A>T, p.Gln2010Leu (NM_001375413.1); c.5720A>T, p.Gln1907Leu (NM_001375420.1, NM_001375421.1, NM_001375422.1 and 2 more transcripts); c.5633A>T, p.Gln1878Leu (NM_001375425.1, NM_001375426.1); c.5522A>T, p.Gln1841Leu (NM_001375427.1); and 1 more; short protein forms Q1944L, Q1841L, Q1878L, Q1907L, Q2010L, Q1977L, Q1915L, Q1948L.
Identifiers: ClinVar variation 1347609 (VCV001347609.7), dbSNP rs376485985, ClinGen allele CA4986046.
Genomic context (GRCh38, chr9:13,109,964, plus strand): 5'-TGATTCATAAGTGAAAAATGATACACTAATCATCATGTATGAACTCACCCTAAATCATCC[T>A]GAAATATACTGCTTGACGTCAGCCCAGTGAAAGAAAGACTGGAACTTGCAGGCTCCTGCT-3'
Protein context (NP_001365707.1, residues 1967-1987): FTGLTSSSIF[Gln1977Leu]DDLGPPQCKS